The following is an entry in ClinVar:

NM_005751.5(AKAP9):c.8019+5G>C

Gene: AKAP9 (A-kinase anchoring protein 9; plus strand). Cytogenetic location: 7q21.2.
Variant type: single nucleotide variant.
Coding change: c.8019+5G>C on transcript NM_005751.5 (MANE Select); 5 bases into the intron after coding-DNA position 8019, G replaced by C.
Molecular consequence: intron variant.
Genome position (GRCh38, 1-based): chr7:92,080,157, G>C. VCF-style: chr7-92080157-G-C. GRCh37 (hg19) VCF-style: chr7-91709471-G-C.
Other names: c.2664+5G>C (NM_001379277.1); c.7995+5G>C (NM_147185.3).
Identifiers: ClinVar variation 1050893 (VCV001050893.10), dbSNP rs779652992, ClinGen allele CA4337378.
Genomic context (GRCh38, chr7:92,080,157, plus strand): 5'-AAAAACAGAGAGAGAAAGAAAAGAAAAGAAGCCCTCAAGATGTTGAAGTTCTCAAGGTTA[G>C]TTTTGTATTTTATTAGTTTCATTTAAATACCCCAAGAAACTAAGCTGATTGCTAATTTAC-3'

ClinVar aggregate classification (germline): Uncertain significance. Review status: criteria provided, multiple submitters, no conflicts (2 of 4 stars). 2 submissions from 2 submitters: Uncertain significance (2). Last evaluated 2026-07-13.

Conditions:
Cardiovascular phenotype. Identifiers: MedGen CN230736.
Long QT syndrome (LQTS). Identifiers: MedGen C0023976, MeSH D008133, MONDO:0002442. Disease mechanism: loss of function. Inheritance: Various modes of inheritance.

Allele frequency attached by ClinVar (database versions not stated): gnomAD exomes 0.00001 and below 0.00001; ExAC 0.00002.
gnomAD v4.1: 3 of 1,563,846 alleles (0.00019%); highest among the groups gnomAD compares: Non-Finnish European, 0.00026%; no homozygotes.

Submissions (2):

Ambry Genetics
Classification: Uncertain significance for Cardiovascular phenotype. Last evaluated: 2026-07-13. Review status: criteria provided, single submitter. Criteria: Ambry Variant Classification Scheme 2023. Collection method: clinical testing. Allele origin: germline.
Comment: The c.8019+5G>C intronic variant results from a G to C substitution 5 nucleotides after coding exon 31 in the AKAP9 gene. This nucleotide position is well conserved in available vertebrate species. In silico splice site analysis predicts that this alteration will not have any significant effect on splicing. The evidence for this gene-disease relationship is limited; therefore, the clinical significance of this variant is unclear.

Labcorp Genetics (formerly Invitae), Labcorp
Classification: Uncertain significance for Long QT syndrome. Last evaluated: 2020-09-25. Review status: criteria provided, single submitter. Criteria: Invitae Variant Classification Sherloc (09022015). Collection method: clinical testing. Allele origin: germline.
Comment: This variant has not been reported in the literature in individuals with AKAP9-related conditions. This sequence change falls in intron 31 of the AKAP9 gene. It does not directly change the encoded amino acid sequence of the AKAP9 protein, but it affects a nucleotide within the consensus splice site of the intron. This variant is present in population databases (rs779652992, ExAC 0.005%). Nucleotide substitutions within the consensus splice site are a relatively common cause of aberrant splicing (PMID: 17576681, 9536098). Algorithms developed to predict the effect of sequence changes on RNA splicing suggest that this variant may disrupt the consensus splice site, but this prediction has not been confirmed by published transcriptional studies. In summary, the available evidence is currently insufficient to determine the role of this variant in disease. Therefore, it has been classified as a Variant of Uncertain Significance.

Literature cited by the submitters: PubMed 17576681 (cited by Labcorp Genetics (formerly Invitae), Labcorp); PubMed 9536098 (cited by Labcorp Genetics (formerly Invitae), Labcorp).